The following is an entry in ClinVar:

ClinVar aggregate classification (germline): Uncertain significance (1 of 4 stars; one submission).

Conditions:
Catecholaminergic polymorphic ventricular tachycardia (CVPT). Also called: Catecholamine-induced polymorphic ventricular tachycardia. Identifiers: Orphanet 3286, MedGen C5574922, MONDO:0017990.

Submission:

All of Us Research Program, National Institutes of Health
Classification: Uncertain significance for Catecholaminergic polymorphic ventricular tachycardia. Last evaluated: 2024-05-30. Review status: criteria provided, single submitter. Criteria: ACMG Guidelines, 2015. Collection method: clinical testing. Allele origin: germline. Inheritance: Autosomal dominant inheritance. Observed: 1 variant allele, 1 heterozygote.
Comment: This missense variant replaces arginine with lysine at codon 4046 of the RYR2 protein. Computational prediction suggests that this variant may not impact protein structure and function (internally defined REVEL score threshold <= 0.5, PMID: 27666373). To our knowledge, functional studies have not been reported for this variant. This variant has not been reported in individuals affected with RYR2-related disorders in the literature. This variant has not been identified in the general population by the Genome Aggregation Database (gnomAD). The available evidence is insufficient to determine the role of this variant in disease conclusively. Therefore, this variant is classified as a Variant of Uncertain Significance.

This study involves interpretation of variants in research participants for the purpose of population health screening. Participant phenotype was not available at the time of variant classification. Additional details can be found in publication PMID: 35346344, PMCID: PMC8962531

NM_001035.3(RYR2):c.12137G>A (p.Arg4046Lys)

Gene: RYR2 (ryanodine receptor 2; plus strand). Cytogenetic location: 1q43.
Variant type: single nucleotide variant.
Coding change: c.12137G>A on transcript NM_001035.3 (MANE Select); coding-DNA position 12137, G replaced by A.
Protein change: p.Arg4046Lys; replaces arginine 4046 with lysine.
Molecular consequence: missense variant.
Genome position (GRCh38, 1-based): chr1:237,783,849, G>A. VCF-style: chr1-237783849-G-A. GRCh37 (hg19) VCF-style: chr1-237947149-G-A.
Other names: short protein forms R4046K.
Identifiers: ClinVar variation 3385852 (VCV003385852.1).
Genomic context (GRCh38, chr1:237,783,849, plus strand): 5'-TGACGTCGTCTGATACTTTTAAAGAATATGACCCCGATGGCAAGGGAGTCATTTCCAAGA[G>A]GGACTTCCACAAAGCGATGGAGAGCCATAAGCACTACACGCAGTCAGAAACGGAATTTCT-3'
Protein context (NP_001026.2, residues 4036-4056): DPDGKGVISK[Arg4046Lys]DFHKAMESHK